The following is an entry in ClinVar:

ClinVar aggregate classification (germline): Likely benign. Review status: criteria provided, multiple submitters, no conflicts (2 of 4 stars). 2 submissions from 2 submitters: Likely benign (2). Last evaluated 2025-07-14.

Conditions:
ASPM-related disorder. Also called: ASPM-related condition.

Allele frequency attached by ClinVar (database versions not stated): gnomAD exomes 0.00001; ExAC 0.00003; gnomAD 0.00004; TOPMed 0.00008.
gnomAD v4.1: 23 of 1,613,978 alleles (0.0014%); highest among the groups gnomAD compares: African/African-American, 0.023%; no homozygotes.

Submissions (2):

Labcorp Genetics (formerly Invitae), Labcorp
Classification: Likely benign. Last evaluated: 2025-07-14. Review status: criteria provided, single submitter. Criteria: Invitae Variant Classification Sherloc (09022015). Collection method: clinical testing. Allele origin: germline.

PreventionGenetics, part of Exact Sciences
Classification: Likely benign for ASPM-related condition. Last evaluated: 2024-12-04. Review status: criteria provided, single submitter. Criteria: ACMG Guidelines, 2015. Collection method: clinical testing. Allele origin: germline.
Comment: This variant is classified as likely benign based on ACMG/AMP sequence variant interpretation guidelines (Richards et al. 2015 PMID: 25741868, with internal and published modifications).

NM_018136.5(ASPM):c.153C>T (p.Cys51=)

Genes: ASPM (assembly factor for spindle microtubules; minus strand), LOC129932155 (ATAC-STARR-seq lymphoblastoid silent region 1659; plus strand). Cytogenetic location: 1q31.3.
Variant type: single nucleotide variant.
Coding change: c.153C>T on transcript NM_018136.5 (MANE Select); coding-DNA position 153, C replaced by T.
Protein change: p.Cys51=; no amino-acid change (cysteine 51 retained).
Molecular consequence: synonymous variant.
Genome position (GRCh38, 1-based): chr1:197,146,285, G>A on the plus strand (C>T on the coding strand, the complement: ASPM is on the minus strand). VCF-style: chr1-197146285-G-A. GRCh37 (hg19) VCF-style: chr1-197115415-G-A.
Other names: c.153C>T, p.Cys51= (NM_001206846.2); c.153C>T (NM_018136.4).
Identifiers: ClinVar variation 2180479 (VCV002180479.5), dbSNP rs369730803, ClinGen allele CA1310955.